The following is an entry in ClinVar:

ClinVar aggregate classification (germline): Conflicting classifications of pathogenicity. Review status: criteria provided, conflicting classifications (1 of 4 stars). 2 submissions from 2 submitters: Uncertain significance (1); Likely benign (1). Last evaluated 2025-05-05.

Conditions:
Hereditary cancer-predisposing syndrome. Also called: Tumor predisposition; Hereditary Cancer Syndrome; Neoplastic Syndromes, Hereditary; Hereditary neoplastic syndrome. Identifiers: Orphanet 140162, MedGen C0027672, MeSH D009386, MONDO:0015356.
Gorlin syndrome. Also called: Basal cell nevus syndrome; Nevoid Basal Cell Carcinoma Syndrome. Identifiers: Orphanet 377, MedGen C0004779, MONDO:0007187.

Allele frequency attached by ClinVar (database versions not stated): gnomAD 0.00001; TOPMed 0.00001.

Submissions (2):

Labcorp Genetics (formerly Invitae), Labcorp
Classification: Likely benign for Gorlin syndrome. Last evaluated: 2025-05-05. Review status: criteria provided, single submitter. Criteria: Invitae Variant Classification Sherloc (09022015). Collection method: clinical testing. Allele origin: germline.

Ambry Genetics
Classification: Uncertain significance for Hereditary cancer-predisposing syndrome. Last evaluated: 2023-10-06. Review status: criteria provided, single submitter. Criteria: Ambry Variant Classification Scheme 2023. Collection method: clinical testing. Allele origin: germline.
Comment: The c.1504-4delG intronic variant, located in intron 10 of the PTCH1 gene, results from a deletion of one nucleotide within intron 10 of the PTCH1 gene. This nucleotide position is poorly conserved in available vertebrate species. In silico splice site analysis predicts that this alteration will not have any significant effect on splicing. Since supporting evidence is limited at this time, the clinical significance of this alteration remains unclear.

NM_000264.5(PTCH1):c.1504-4del

Gene: PTCH1 (patched 1; minus strand). Cytogenetic location: 9q22.32.
Variant type: Deletion.
Coding change: c.1504-4del on transcript NM_000264.5 (MANE Select); 4 bases into the intron before coding-DNA position 1504, one base deleted (G; older notation c.1504-4delG).
Molecular consequence: intron variant.
Genome position (GRCh38, 1-based): chr9:95,476,861, C deleted on the plus strand (G on the coding strand, the reverse complement: PTCH1 is on the minus strand). VCF-style (leftmost placement, unchanged base first): chr9-95476860-AC-A. GRCh37 (hg19) VCF-style: chr9-98239142-AC-A.
Other names: c.1504-4del (NM_000264.3); c.1501-4del (NM_001083603.3); c.1306-4del (NM_001083602.3); c.1348-4del (NM_001354918.2); c.1051-4del (NM_001083605.3, NM_001083604.3, NM_001083606.3 and 1 more transcripts).
Identifiers: ClinVar variation 754754 (VCV000754754.15), dbSNP rs1182409968, ClinGen allele CA868795624.